The following is an entry in ClinVar:

ClinVar aggregate classification (germline): Pathogenic (1 of 4 stars; one submission).

Conditions:
Primary ciliary dyskinesia. Also called: Ciliary dyskinesia. Identifiers: Orphanet 244, MedGen C0008780, MONDO:0016575, HP:0012265.

Submission:

Labcorp Genetics (formerly Invitae), Labcorp
Classification: Pathogenic for Primary ciliary dyskinesia. Last evaluated: 2023-07-06. Review status: criteria provided, single submitter. Criteria: Invitae Variant Classification Sherloc (09022015). Collection method: clinical testing. Allele origin: germline.
Comment: For these reasons, this variant has been classified as Pathogenic. This variant has not been reported in the literature in individuals affected with DNAH11-related conditions. This variant is not present in population databases (gnomAD no frequency). This sequence change creates a premature translational stop signal (p.Ser1882Ilefs*52) in the DNAH11 gene. It is expected to result in an absent or disrupted protein product. Loss-of-function variants in DNAH11 are known to be pathogenic (PMID: 18022865, 20513915, 22184204).

Literature cited by the submitters: PubMed 18022865; PubMed 20513915; PubMed 22184204.

NM_001277115.2(DNAH11):c.5643dup (p.Ser1882fs)

Gene: DNAH11 (dynein axonemal heavy chain 11; plus strand). Cytogenetic location: 7p15.3.
Variant type: Duplication.
Coding change: c.5643dup on transcript NM_001277115.2 (MANE Select); coding-DNA position 5643, one base duplicated (A; older notation c.5643dupA).
Protein change: p.Ser1882fs; shifts the reading frame from serine 1882.
Molecular consequence: frameshift variant.
Genome position (GRCh38, 1-based): chr7:21,687,120, A duplicated; the last of 2 consecutive A bases (chr7:21,687,119-21,687,120); duplicating either gives the same sequence. VCF-style (leftmost placement, unchanged base first): chr7-21687118-C-CA. GRCh37 (hg19) VCF-style: chr7-21726736-C-CA.
Other names: c.5664dup, p.Ser1889Ilefs (NM_003777.3); short protein forms S1882fs.
Identifiers: ClinVar variation 2736276 (VCV002736276.3), dbSNP rs2534915969, ClinGen allele CA2697557147.